The following is an entry in ClinVar:

NM_000026.4(ADSL):c.253C>T (p.Arg85Ter)

Gene: ADSL (adenylosuccinate lyase; plus strand). Cytogenetic location: 22q13.1.
Variant type: single nucleotide variant.
Coding change: c.253C>T on transcript NM_000026.4 (MANE Select); coding-DNA position 253, C replaced by T.
Protein change: p.Arg85Ter; replaces arginine 85 with a stop codon.
Molecular consequence: nonsense. On other transcripts: non-coding transcript variant (1).
Genome position (GRCh38, 1-based): chr22:40,349,931, C>T. VCF-style: chr22-40349931-C-T. GRCh37 (hg19) VCF-style: chr22-40745935-C-T.
Other names: c.253C>T, p.Arg85Ter (NM_001123378.3, NM_001363840.3); c.61C>T, p.Arg21Ter (NM_001317923.2); short protein forms R85*, R21*.
Identifiers: ClinVar variation 379129 (VCV000379129.14), dbSNP rs1036185928, ClinGen allele CA16608180.

ClinVar aggregate classification (germline): Pathogenic. Review status: criteria provided, multiple submitters, no conflicts (2 of 4 stars). 4 submissions from 4 submitters: Pathogenic (3). 1 of the submissions does not count toward it. Last evaluated 2025-09-03.

Conditions:
Adenylosuccinate lyase deficiency (ADSLD). Also called: ADSL DEFICIENCY. Identifiers: Orphanet 46, MedGen C0268126, MONDO:0007068, OMIM 103050.

Allele frequency attached by ClinVar (database versions not stated): gnomAD exomes below 0.00001; gnomAD 0.00001; TOPMed 0.00001.
gnomAD v4.1: 11 of 1,613,978 alleles (0.00068%); highest among the groups gnomAD compares: Non-Finnish European, 0.00076%; no homozygotes.

Submissions (4):

GeneDx
Classification: Pathogenic. Last evaluated: 2025-09-03. Review status: criteria provided, single submitter. Criteria: GeneDx Variant Classification Process June 2021. Collection method: clinical testing. Allele origin: germline. Affected: yes.
Comment: Nonsense variant predicted to result in protein truncation or nonsense mediated decay in a gene for which loss of function is a known mechanism of disease; Not observed at significant frequency in large population cohorts (gnomAD); This variant is associated with the following publications: (PMID: 10888601, 25326635, 20177786, 31440721, 30185235)

Labcorp Genetics (formerly Invitae), Labcorp
Classification: Pathogenic for Adenylosuccinate lyase deficiency. Last evaluated: 2024-09-01. Review status: criteria provided, single submitter. Criteria: Invitae Variant Classification Sherloc (09022015). Collection method: clinical testing. Allele origin: germline.
Comment: This sequence change creates a premature translational stop signal (p.Arg85*) in the ADSL gene. It is expected to result in an absent or disrupted protein product. Loss-of-function variants in ADSL are known to be pathogenic (PMID: 10888601, 20177786). This variant is present in population databases (no rsID available, gnomAD 0.0009%). This premature translational stop signal has been observed in individual(s) with West syndrome (PMID: 30185235). ClinVar contains an entry for this variant (Variation ID: 379129). For these reasons, this variant has been classified as Pathogenic.

Baylor Genetics
Classification: Pathogenic for Adenylosuccinate lyase deficiency. Last evaluated: 2017-09-01. Review status: criteria provided, single submitter. Criteria: ACMG Guidelines, 2015. Collection method: clinical testing. Allele origin: maternal. Inheritance: Autosomal recessive inheritance. Affected: yes.

Genetic Services Laboratory, University of Chicago
Classification: Pathogenic. Last evaluated: 2022-12-13. Review status: no assertion criteria provided. Collection method: clinical testing. Allele origin: germline. Affected: yes. Not counted in ClinVar's aggregate classification.
Comment: DNA sequence analysis of the ADSL gene demonstrated a sequence change, c.253C>T, which results in the creation of a premature stop codon at amino acid position 85, p.Arg85*. This sequence change is predicted to result in an abnormal transcript, which may be degraded, or may lead to the production of a truncated ADSL protein with potentially abnormal function. This sequence change has been described in the gnomAD database in one individual which corresponds to a population frequency of 0.0004% (dbSNP rs1036185928). This sequence change has previously been described in the compound heterozygous state with a second variant in ADSL in an individual with West syndrome (PMID: 30185235) and in association with childhood epilepsy (PMID: 31440721). Loss of function variants in ADSL have been reported to be pathogenic (PMID: 10888601, 28487569, 20177786). These collective evidences indicate that this sequence change is pathogenic.

Literature cited by the submitters: PubMed 10888601 (cited by Labcorp Genetics (formerly Invitae), Labcorp); PubMed 20177786 (cited by Labcorp Genetics (formerly Invitae), Labcorp); PubMed 30185235 (cited by Labcorp Genetics (formerly Invitae), Labcorp); PubMed 25326635 (cited by Baylor Genetics).